The following is an entry in ClinVar:

ClinVar aggregate classification (germline): Likely benign (1 of 4 stars; one submission).

Submission:

CeGaT Center for Human Genetics Tuebingen
Classification: Likely benign. Last evaluated: 2024-09-01. Review status: criteria provided, single submitter. Criteria: CeGaT Center For Human Genetics Tuebingen Variant Classification Criteria Version 2. Collection method: clinical testing. Allele origin: germline. Affected: yes. Observed: 1 variant allele.
Comment: NBPF14: BP4, BP7

Single allele

Gene: NBPF14 (NBPF member 14; minus strand). Cytogenetic location: 1q21.2.
Variant type: single nucleotide variant.
Identifiers: ClinVar variation 3388296 (VCV003388296.11).